The following is an entry in ClinVar:

Single allele

Gene: TNNI3 (troponin I3, cardiac type; minus strand). Cytogenetic location: 19q13.42.
Variant type: Duplication.
Identifiers: ClinVar variation 454299 (VCV000454299.1).

ClinVar aggregate classification (germline): Uncertain significance (1 of 4 stars; one submission).

Conditions:
Hypertrophic cardiomyopathy. Also called: HYPERTROPHIC MYOCARDIOPATHY. Identifiers: Orphanet 217569, MedGen C0007194, MeSH D002312, MONDO:0005045, HP:0001639.

Submission:

Labcorp Genetics (formerly Invitae), Labcorp
Classification: Uncertain significance for Hypertrophic cardiomyopathy. Last evaluated: 2018-06-28. Review status: criteria provided, single submitter. Criteria: Invitae Variant Classification Sherloc (09022015). Collection method: clinical testing. Allele origin: germline.
Comment: A gross duplication of the genomic region encompassing the full coding sequence of the TNNI3 gene has been identified. The boundaries of this event are unknown as the duplication extends beyond the assayed region for this gene and therefore may encompass additional genes. As the precise location of this duplication is unknown, it may be in tandem or it may be located elsewhere in the genome. This variant has not been reported in the literature in individuals with a TNNI3-related disease. In summary, the exact genomic location of this variant is unknown and the effect of this whole TNNI3 gene duplication is unknown. Therefore, it has been classified as a Variant of Uncertain Significance.